The following is an entry in ClinVar:

ClinVar aggregate classification (germline): Benign/Likely benign. Review status: criteria provided, multiple submitters, no conflicts (2 of 4 stars). 10 submissions from 10 submitters: Benign (4); Likely benign (5). 1 of the submissions does not count toward it. Last evaluated 2026-04-01.

Conditions:
PHOX2B-related disorder. Also called: PHOX2B-related condition.
Hereditary cancer-predisposing syndrome. Also called: Tumor predisposition; Hereditary Cancer Syndrome; Neoplastic Syndromes, Hereditary; Hereditary neoplastic syndrome. Identifiers: Orphanet 140162, MedGen C0027672, MeSH D009386, MONDO:0015356.
Neuroblastoma, susceptibility to, 2. Identifiers: Orphanet 635, MedGen C2751682, MONDO:0700041, OMIM 613013.
Central hypoventilation syndrome, congenital, 1, with or without Hirschsprung disease (CCHS1). Also called: Central hypoventilation syndrome, congenital, 1, with or without Hirschsprung; CENTRAL HYPOVENTILATION SYNDROME, CONGENITAL, 1; AUTONOMIC CONTROL, CONGENITAL FAILURE OF; ONDINE CURSE, CONGENITAL; Congenital Central Hypoventilation Syndrome (CCHS). Identifiers: Orphanet 661, MedGen C5562075, MONDO:0800026, OMIM 209880.
Haddad syndrome (OHD). Also called: Ondine-Hirschsprung disease. Identifiers: Orphanet 99803, MedGen C1859049, MONDO:0020493.

Submissions (10):

CeGaT Center for Human Genetics Tuebingen
Classification: Benign. Last evaluated: 2026-04-01. Review status: criteria provided, single submitter. Criteria: CeGaT Center For Human Genetics Tuebingen Variant Classification Criteria Version 2. Collection method: clinical testing. Allele origin: germline. Affected: yes. Observed: 8 variant alleles.
Comment: PHOX2B: BS1, BS2

Labcorp Genetics (formerly Invitae), Labcorp
Classification: Benign for Haddad syndrome. Last evaluated: 2026-01-29. Review status: criteria provided, single submitter. Criteria: Invitae Variant Classification Sherloc (09022015). Collection method: clinical testing. Allele origin: germline.

Blueprint Genetics
Classification: Likely benign. Last evaluated: 2024-11-26. Review status: criteria provided, single submitter. Criteria: ACMG Guidelines, 2015. Collection method: clinical testing. Allele origin: germline.

Ambry Genetics
Classification: Likely benign for Hereditary cancer-predisposing syndrome. Last evaluated: 2023-12-05. Review status: criteria provided, single submitter. Criteria: Ambry Variant Classification Scheme 2023. Collection method: clinical testing. Allele origin: germline.

ARUP Laboratories, Molecular Genetics and Genomics, ARUP Laboratories
Classification: Likely benign. Last evaluated: 2023-10-26. Review status: criteria provided, single submitter. Criteria: ARUP Molecular Germline Variant Investigation Process 2024. Collection method: clinical testing. Allele origin: germline.

Women's Health and Genetics/Laboratory Corporation of America, LabCorp
Classification: Benign. Last evaluated: 2022-04-19. Review status: criteria provided, single submitter. Criteria: LabCorp Variant Classification Summary - May 2015. Collection method: clinical testing. Allele origin: germline.
Comment: Variant summary: PHOX2B c.765_779del15 (p.Ala256_Ala260del) results in an in-frame deletion that is predicted to remove 5 amino acids from the encoded protein. The variant allele was found at a frequency of 0.00084 in 81662 control chromosomes in the gnomAD database, including 2 homozygotes. The observed variant frequency is approximately 1014 fold of the estimated maximal expected allele frequency for a pathogenic variant in PHOX2B causing Neuroblastoma, Susceptibility Type, 2 phenotype (8.3e-07), strongly suggesting that the variant is benign. To our knowledge, no occurrence of c.765_779del15 in individuals affected with Neuroblastoma, Susceptibility Type, 2 and no experimental evidence demonstrating its impact on protein function have been reported. Three clinical diagnostic laboratories have submitted clinical-significance assessments for this variant to ClinVar after 2014 without evidence for independent evaluation. All laboratories classified the variant as benign/likely benign. Based on the evidence outlined above, the variant was classified as benign.

Fulgent Genetics
Classification: Likely benign for Central hypoventilation syndrome, congenital, 1, with or without Hirschsprung disease; Neuroblastoma, susceptibility to, 2. Last evaluated: 2021-08-04. Review status: criteria provided, single submitter. Criteria: ACMG Guidelines, 2015. Collection method: clinical testing. Allele origin: unknown.

GeneDx
Classification: Likely benign. Last evaluated: 2021-06-09. Review status: criteria provided, single submitter. Criteria: GeneDx Variant Classification Process June 2021. Collection method: clinical testing. Allele origin: germline. Affected: yes.
Comment: This variant is associated with the following publications: (PMID: 25085640, 14566559, 12640453, 14608649, 16763219, 14709596, 33468206)

Sema4
Classification: Benign for Hereditary cancer-predisposing syndrome. Last evaluated: 2021-04-23. Review status: criteria provided, single submitter. Criteria: Sema4 Curation Guidelines. Collection method: curation. Allele origin: germline.

PreventionGenetics, part of Exact Sciences
Classification: Benign for PHOX2B-related condition. Last evaluated: 2024-05-07. Review status: no assertion criteria provided. Collection method: clinical testing. Allele origin: germline. Not counted in ClinVar's aggregate classification.
Comment: This variant is classified as benign based on ACMG/AMP sequence variant interpretation guidelines (Richards et al. 2015 PMID: 25741868, with internal and published modifications).

Literature cited by the submitters: PubMed 20208042 (cited by Ambry Genetics).

NM_003924.4(PHOX2B):c.765_779del (p.Ala256_Ala260del)

Genes: PHOX2B (paired like homeobox 2B; minus strand), LOC110011216 (paired like homeobox 2b polyalanine repeat instability region; plus strand). Cytogenetic location: 4p13.
Variant type: Deletion.
Coding change: c.765_779del on transcript NM_003924.4 (MANE Select); coding-DNA positions 765 to 779, 15 bases deleted (GGCAGCGGCGGCAGC).
Protein change: p.Ala256_Ala260del.
Molecular consequence: inframe deletion.
Genome position (GRCh38, 1-based): chr4:41,745,973-41,745,987, GCTGCCGCCGCTGCC deleted on the plus strand (GGCAGCGGCGGCAGC on the coding strand, the reverse complement: PHOX2B is on the minus strand); deleting any 15 consecutive bases within chr4:41,745,973-41,745,998 gives the same sequence; the c. name uses the placement nearest the transcript's 3' end. VCF-style (leftmost placement, unchanged base first): chr4-41745972-AGCTGCCGCCGCTGCC-A. GRCh37 (hg19) VCF-style: chr4-41747989-AGCTGCCGCCGCTGCC-A.
Other names: c.765_779delGGCAGCGGCGGCAGC (NM_003924.3).
Identifiers: ClinVar variation 239595 (VCV000239595.80), dbSNP rs761018157, ClinGen allele CA2901422.